The following is an entry in ClinVar:

NM_000581.4(GPX1):c.580G>A (p.Ala194Thr)

Gene: GPX1 (glutathione peroxidase 1; minus strand). Cytogenetic location: 3p21.31.
Variant type: single nucleotide variant.
Coding change: c.580G>A on transcript NM_000581.4 (MANE Select); coding-DNA position 580, G replaced by A.
Protein change: p.Ala194Thr; replaces alanine 194 with threonine.
Molecular consequence: missense variant. On other transcripts: 3 prime UTR variant (3).
Genome position (GRCh38, 1-based): chr3:49,357,420, C>T on the plus strand (G>A on the coding strand, the complement: GPX1 is on the minus strand). VCF-style: chr3-49357420-C-T. GRCh37 (hg19) VCF-style: chr3-49394853-C-T.
Other names: c.442G>A, p.Ala148Thr (NM_001329455.2); c.*406G>A (NM_001329502.2); c.*86G>A (NM_001329503.2); c.*562G>A (NM_201397.3); short protein forms A148T, A194T.
Identifiers: ClinVar variation 3055387 (VCV003055387.2), dbSNP rs6446261, ClinGen allele CA2397563.

ClinVar aggregate classification (germline): Benign (0 of 4 stars; one submission).

Conditions:
GPX1-related disorder. Also called: GPX1-related condition.

Allele frequency attached by ClinVar (database versions not stated): ESP Exome Variant Server 0.00784; gnomAD 0.00973; TOPMed 0.01055; 1000 Genomes Project 0.01258; 1000 Genomes Project 30x 0.01327.
gnomAD v4.1: 4,042 of 1,612,430 alleles (0.25%); highest among the groups gnomAD compares: African/African-American, 3.2%; 60 homozygotes.

Submission:

PreventionGenetics, part of Exact Sciences
Classification: Benign for GPX1-related condition. Last evaluated: 2019-11-25. Review status: no assertion criteria provided. Collection method: clinical testing. Allele origin: germline.
Comment: This variant is classified as benign based on ACMG/AMP sequence variant interpretation guidelines (Richards et al. 2015 PMID: 25741868, with internal and published modifications).